The following is an entry in ClinVar:

ClinVar aggregate classification (germline): Uncertain significance (1 of 4 stars; one submission).

Conditions:
CHARGE syndrome (CHARGE). Also called: Hittner Hirsch Kreh syndrome; CHARGE ASSOCIATION--COLOBOMA, HEART ANOMALY, CHOANAL ATRESIA, RETARDATION, GENITAL AND EAR ANOMALIES; Coloboma, heart anomaly, choanal atresia, retardation, genital and ear anomalies; CHARGE association; Hall-Hittner syndrome. Identifiers: Orphanet 138, MedGen C0265354, MONDO:0008965.

gnomAD v4.1: 1 of 1,613,942 alleles (0.000062%); highest among the groups gnomAD compares: South Asian, 0.0011%; no homozygotes.

Submission:

Labcorp Genetics (formerly Invitae), Labcorp
Classification: Uncertain significance for CHARGE syndrome. Last evaluated: 2025-06-22. Review status: criteria provided, single submitter. Criteria: Invitae Variant Classification Sherloc (09022015). Collection method: clinical testing. Allele origin: germline.
Comment: This sequence change replaces histidine, which is basic and polar, with arginine, which is basic and polar, at codon 2115 of the CHD7 protein (p.His2115Arg). This variant is not present in population databases (gnomAD no frequency). This variant has not been reported in the literature in individuals affected with CHD7-related conditions. Invitae Evidence Modeling of protein sequence and biophysical properties (such as structural, functional, and spatial information, amino acid conservation, physicochemical variation, residue mobility, and thermodynamic stability) has been performed for this missense variant. However, the output from this modeling did not meet the statistical confidence thresholds required to predict the impact of this variant on CHD7 protein function. In summary, the available evidence is currently insufficient to determine the role of this variant in disease. Therefore, it has been classified as a Variant of Uncertain Significance.

NM_017780.4(CHD7):c.6344A>G (p.His2115Arg)

Gene: CHD7 (chromodomain helicase DNA binding protein 7; plus strand). Cytogenetic location: 8q12.2.
Variant type: single nucleotide variant.
Coding change: c.6344A>G on transcript NM_017780.4 (MANE Select); coding-DNA position 6344, A replaced by G.
Protein change: p.His2115Arg; replaces histidine 2115 with arginine.
Molecular consequence: missense variant. On other transcripts: intron variant (1).
Genome position (GRCh38, 1-based): chr8:60,853,069, A>G. VCF-style: chr8-60853069-A-G. GRCh37 (hg19) VCF-style: chr8-61765628-A-G.
Other names: c.1717-9160A>G (NM_001316690.1); short protein forms H2115R.
Identifiers: ClinVar variation 4741790 (VCV004741790.1).